The following is an entry in ClinVar:

ClinVar aggregate classification (germline): Conflicting classifications of pathogenicity. Review status: criteria provided, conflicting classifications (1 of 4 stars). 6 submissions from 6 submitters: Pathogenic (2); Likely pathogenic (2); Uncertain significance (1). 1 of the submissions does not count toward it. Last evaluated 2026-06-26.

Conditions:
MKKS-related disorder. Also called: MKKS-related condition; MKKS-related disorders.
Bardet-Biedl syndrome 6 (BBS6). Identifiers: Orphanet 110, MedGen C1858054, MONDO:0011523, OMIM 605231.
McKusick-Kaufman syndrome (MKKS). Also called: HYDROMETROCOLPOS SYNDROME; HYDROMETROCOLPOS, POSTAXIAL POLYDACTYLY, AND CONGENITAL HEART MALFORMATION. Identifiers: Orphanet 2473, MedGen C0948368, MONDO:0009367, OMIM 236700.
Bardet-Biedl syndrome (BBS). Identifiers: Orphanet 110, MedGen C0752166, MONDO:0015229.

Allele frequency attached by ClinVar (database versions not stated): ExAC 0.00001; gnomAD exomes 0.00001; TOPMed 0.00001.

Submissions (6):

PreventionGenetics, part of Exact Sciences
Classification: Uncertain significance for MKKS-related condition. Last evaluated: 2026-06-26. Review status: criteria provided, single submitter. Criteria: ACMG Guidelines, 2015. Collection method: clinical testing. Allele origin: germline.
Comment: The MKKS c.155G>A variant is predicted to result in the amino acid substitution p.Gly52Asp. This variant has been reported in compound heterozygous state with other pathogenic variants in MKKS in individuals with Bardet-Biedl syndrome (Slavotinek et al. 2000. PubMed ID: 10973238; Gupta et al. 2022. PubMed ID: 36284670). In vitro experimental studies are conflicting regarding this variant's impact on localization (Kim et al. 2005. PubMed ID: 15731008; Hirayama et al. 2007. PubMed ID: 18094050). Other studies suggest this variant impacts protein interaction with BBS12 and CEP290 (Seo et al. 2010. PubMed ID: 20080638; Rachel et al. 2012. PubMed ID: 22446187). This variant is reported in 0.0087% of alleles in individuals of Latino descent in gnomAD and is interpreted as pathogenic and likely pathogenic in ClinVar (Variation ID: 5311). Although we suspect that this variant may be pathogenic, the clinical significance of this variant is classified as uncertain at this time due to insufficient functional and genetic evidence.

Women's Health and Genetics/Laboratory Corporation of America, LabCorp
Classification: Likely pathogenic for Bardet-Biedl syndrome. Last evaluated: 2025-06-20. Review status: criteria provided, single submitter. Criteria: LabCorp Variant Classification Summary - May 2015. Collection method: clinical testing. Allele origin: germline.
Comment: Variant summary: MKKS c.155G>A (p.Gly52Asp) results in a non-conservative amino acid change in the encoded protein sequence. Algorithms developed to predict the effect of missense changes on protein structure and function all suggest that this variant is likely to be disruptive. The variant allele was found at a frequency of 1.2e-05 in 251140 control chromosomes. c.155G>A has been reported in the literature in individuals affected with Bardet-Biedl Syndrome (Slavotinek_2000, Gupta_2022, internal data).These data indicate that the variant may be associated with disease. Experimental evidence evaluating an impact on protein function demonstrated the variant: 1) has similar expression levels and tendency to occur in the insoluble fraction as the wild-type protein (Hirayama_2008); 2) may or may not successfully localize to the centromere (Kim_2005, Hirayama_2008); 3) fails to rescue bbs morphants and is predicted to function as a dominant-negative allele in vivo (Zaghloul_2010); 4) disrupts interaction of MKKS protein with other proteins such as CEP290 (Rachel_2012) and BBS12 (Seo_2010). The following publications have been ascertained in the context of this evaluation (PMID: 36284670, 18094050, 15731008, 22446187, 20080638, 10973238, 20498079). ClinVar contains an entry for this variant (Variation ID: 5311). Based on the evidence outlined above, the variant was classified as likely pathogenic.

Labcorp Genetics (formerly Invitae), Labcorp
Classification: Pathogenic for McKusick-Kaufman syndrome; Bardet-Biedl syndrome. Last evaluated: 2024-02-26. Review status: criteria provided, single submitter. Criteria: Invitae Variant Classification Sherloc (09022015). Collection method: clinical testing. Allele origin: germline.
Comment: This sequence change replaces glycine, which is neutral and non-polar, with aspartic acid, which is acidic and polar, at codon 52 of the MKKS protein (p.Gly52Asp). This variant is present in population databases (rs28937875, gnomAD 0.006%). This missense change has been observed in individual(s) with clinical features of Bardet-Biedl syndrome (PMID: 10973238; Invitae). In at least one individual the data is consistent with being in trans (on the opposite chromosome) from a pathogenic variant. This variant is also known as 1042G>A. ClinVar contains an entry for this variant (Variation ID: 5311). Advanced modeling of protein sequence and biophysical properties (such as structural, functional, and spatial information, amino acid conservation, physicochemical variation, residue mobility, and thermodynamic stability) has been performed at Invitae for this missense variant, however the output from this modeling did not meet the statistical confidence thresholds required to predict the impact of this variant on MKKS protein function. Experimental studies are conflicting or provide insufficient evidence to determine the effect of this variant on MKKS function (PMID: 15731008, 18094050, 20080638, 22446187). For these reasons, this variant has been classified as Pathogenic.

Baylor Genetics
Classification: Likely pathogenic for Bardet-Biedl syndrome 6. Last evaluated: 2024-02-05. Review status: criteria provided, single submitter. Criteria: ACMG Guidelines, 2015. Collection method: clinical testing. Allele origin: unknown.

Fulgent Genetics
Classification: Pathogenic for McKusick-Kaufman syndrome; Bardet-Biedl syndrome 6. Last evaluated: 2024-01-09. Review status: criteria provided, single submitter. Criteria: ACMG Guidelines, 2015. Collection method: clinical testing. Allele origin: germline.

OMIM
Classification: Pathogenic for BARDET-BIEDL SYNDROME 6. Last evaluated: 2000-09-01. Review status: no assertion criteria provided. Collection method: literature only. Allele origin: germline. Not counted in ClinVar's aggregate classification.

Literature cited by the submitters: PubMed 20498079 (cited by Women's Health and Genetics/Laboratory Corporation of America, LabCorp); PubMed 20080638 (cited by Women's Health and Genetics/Laboratory Corporation of America, LabCorp and Labcorp Genetics (formerly Invitae), Labcorp); PubMed 18094050 (cited by Women's Health and Genetics/Laboratory Corporation of America, LabCorp and Labcorp Genetics (formerly Invitae), Labcorp); PubMed 15731008 (cited by Women's Health and Genetics/Laboratory Corporation of America, LabCorp and Labcorp Genetics (formerly Invitae), Labcorp); PubMed 22446187 (cited by 3 submitters); PubMed 10973238 (cited by 3 submitters); PubMed 36284670 (cited by Women's Health and Genetics/Laboratory Corporation of America, LabCorp).

NM_170784.3(MKKS):c.155G>A (p.Gly52Asp)

Gene: MKKS (MKKS centrosomal shuttling protein; minus strand). Cytogenetic location: 20p12.2.
Variant type: single nucleotide variant.
Coding change: c.155G>A on transcript NM_170784.3 (MANE Select); coding-DNA position 155, G replaced by A.
Protein change: p.Gly52Asp; replaces glycine 52 with aspartic acid.
Molecular consequence: missense variant.
Genome position (GRCh38, 1-based): chr20:10,413,360, C>T on the plus strand (G>A on the coding strand, the complement: MKKS is on the minus strand). VCF-style: chr20-10413360-C-T. GRCh37 (hg19) VCF-style: chr20-10394008-C-T.
Other names: c.155G>A, p.Gly52Asp (NM_018848.3); short protein forms G52D.
Identifiers: ClinVar variation 5311 (VCV000005311.13), dbSNP rs28937875, ClinGen allele CA253459.